The following is an entry in ClinVar:

ClinVar aggregate classification (germline): Conflicting classifications of pathogenicity. Review status: criteria provided, conflicting classifications (1 of 4 stars). 2 submissions from 2 submitters: Likely pathogenic (1); Uncertain significance (1). Last evaluated 2021-02-26.

Conditions:
Mitochondrial complex V (ATP synthase) deficiency, nuclear type 1. Also called: MITOCHONDRIAL COMPLEX V (ATP SYNTHASE) DEFICIENCY, ATPAF2 TYPE; Nuclear-Encoded ATPase Deficiency, ATPAF2-Related. Identifiers: Orphanet 254913, MedGen C3276276, MONDO:0011421, OMIM 604273.

Allele frequency attached by ClinVar (database versions not stated): gnomAD exomes below 0.00001; ExAC 0.00001; gnomAD 0.00001.

Submissions (2):

New York Genome Center
Classification: Uncertain significance for Mitochondrial complex V (ATP synthase) deficiency, nuclear type 1. Last evaluated: 2021-02-26. Review status: criteria provided, single submitter. Criteria: NYGC Assertion Criteria 2020. Collection method: clinical testing. Allele origin: germline. Observed: 1 homozygote. Study: CSER-NYCKidSeq.

GeneDx
Classification: Likely pathogenic. Last evaluated: 2013-06-25. Review status: criteria provided, single submitter. Criteria: GeneDx Variant Classification (06012015). Collection method: clinical testing. Allele origin: germline. Affected: yes.
Comment: p.Leu262Pro (CTG>CCG): c.785 T>C in exon 8 of the ATPAF2 gene (NM_145691.3). The L262P missense change has not been published as a mutation, nor has it been reported as a benign polymorphism to our knowledge. The amino acid change is semi-conservative as both Leucine and Proline are uncharged, non-polar amino acids, but the introduction of Proline with its unique ring structure may affect the secondary structure of the ATPAF2 protein. This change occurs at a highly conserved position in the ATPAF2 protein, and multiple in-silico analysis programs predict that L262P is damaging to the ATPAF2 protein. Therefore, L262P is a strong candidate for a disease-causing mutation, however the possibility that it is a benign variant cannot be excluded. The variant is found in MITONUC-MITOP panel(s).

NM_145691.4(ATPAF2):c.785T>C (p.Leu262Pro)

Gene: ATPAF2 (ATP synthase mitochondrial F1 complex assembly factor 2; minus strand). Cytogenetic location: 17p11.2.
Variant type: single nucleotide variant.
Coding change: c.785T>C on transcript NM_145691.4 (MANE Select); coding-DNA position 785, T replaced by C.
Protein change: p.Leu262Pro; replaces leucine 262 with proline.
Molecular consequence: missense variant.
Genome position (GRCh38, 1-based): chr17:18,018,634, A>G on the plus strand (T>C on the coding strand, the complement: ATPAF2 is on the minus strand). VCF-style: chr17-18018634-A-G. GRCh37 (hg19) VCF-style: chr17-17921948-A-G.
Other names: p.L262P:CTG>CCG; short protein forms L262P.
Identifiers: ClinVar variation 214137 (VCV000214137.3), dbSNP rs746446116, ClinGen allele CA325279.
Genomic context (GRCh38, chr17:18,018,634, plus strand): 5'-ACTGTGGTGCTCTCGGAGCAGAGATGGATGAAGAGGGTGCCGGCGGCGGTGCGGGCCCGC[A>G]GCTCCTGCAGCTCATAGTCATGGGCCCACTCAATGTTGCCCCACTTCTGGATCTGAGGGA-3'
Protein context (NP_663729.1, residues 252-272): EWAHDYELQE[Leu262Pro]RARTAAGTLF